The following is an entry in ClinVar:

ClinVar aggregate classification (germline): Benign/Likely benign. Review status: criteria provided, multiple submitters, no conflicts (2 of 4 stars). 7 submissions from 7 submitters: Benign (1); Likely benign (6). Last evaluated 2026-01-31.

Conditions:
MEN1-related disorder. Also called: MEN1-related condition.
Hereditary cancer-predisposing syndrome. Also called: Neoplastic Syndromes, Hereditary; Tumor predisposition; Hereditary Cancer Syndrome; Hereditary neoplastic syndrome. Identifiers: Orphanet 140162, MedGen C0027672, MeSH D009386, MONDO:0015356.
Multiple endocrine neoplasia, type 1 (MEN1). Also called: MEN I; WERMER SYNDROME; Endocrine adenomatosis multiple; MEN 1; MEA I. Identifiers: Orphanet 652, MedGen C0025267, MeSH D018761, MONDO:0007540, OMIM 131100.

Allele frequency attached by ClinVar (database versions not stated): gnomAD exomes 0.00001 and 0.00002; ExAC 0.00002; gnomAD 0.00004 and 0.00005; TOPMed 0.00006; 1000 Genomes Project 0.00020; 1000 Genomes Project 30x 0.00031.
gnomAD v4.1: 18 of 1,614,146 alleles (0.0011%); highest among the groups gnomAD compares: Admixed American, 0.028%; no homozygotes.

Submissions (7):

Labcorp Genetics (formerly Invitae), Labcorp
Classification: Likely benign for Multiple endocrine neoplasia, type 1. Last evaluated: 2026-01-31. Review status: criteria provided, single submitter. Criteria: Invitae Variant Classification Sherloc (09022015). Collection method: clinical testing. Allele origin: germline.

PreventionGenetics, part of Exact Sciences
Classification: Likely benign for MEN1-related condition. Last evaluated: 2025-08-22. Review status: criteria provided, single submitter. Criteria: ACMG Guidelines, 2015. Collection method: clinical testing. Allele origin: germline.
Comment: This variant is classified as likely benign based on ACMG/AMP sequence variant interpretation guidelines (Richards et al. 2015 PMID: 25741868, with internal and published modifications).

Women's Health and Genetics/Laboratory Corporation of America, LabCorp
Classification: Likely benign. Last evaluated: 2024-12-06. Review status: criteria provided, single submitter. Criteria: LabCorp Variant Classification Summary - May 2015. Collection method: clinical testing. Allele origin: germline.

Myriad Genetics, Inc.
Classification: Benign for Multiple endocrine neoplasia, type 1. Last evaluated: 2024-10-31. Review status: criteria provided, single submitter. Criteria: Myriad Autosomal Dominant, Autosomal Recessive and X-Linked Classification Criteria (2023). Collection method: clinical testing. Allele origin: unknown.
Comment: This variant is considered benign. This variant is a silent/synonymous amino acid change and it is not expected to impact splicing.

Color Diagnostics, LLC DBA Color Health
Classification: Likely benign for Multiple endocrine neoplasia, type 1. Last evaluated: 2023-05-18. Review status: criteria provided, single submitter. Criteria: ACMG Guidelines, 2015. Collection method: clinical testing. Allele origin: germline.

Sema4
Classification: Likely benign for Hereditary cancer-predisposing syndrome. Last evaluated: 2022-01-06. Review status: criteria provided, single submitter. Criteria: Sema4 Curation Guidelines. Collection method: curation. Allele origin: germline.

Ambry Genetics
Classification: Likely benign for Hereditary cancer-predisposing syndrome. Last evaluated: 2018-05-17. Review status: criteria provided, single submitter. Criteria: Ambry Variant Classification Scheme 2023. Collection method: clinical testing. Allele origin: germline.

NM_001370259.2(MEN1):c.375A>T (p.Ile125=)

Gene: MEN1 (menin 1; minus strand). Cytogenetic location: 11q13.1.
Variant type: single nucleotide variant.
Coding change: c.375A>T on transcript NM_001370259.2 (MANE Select); coding-DNA position 375, A replaced by T.
Protein change: p.Ile125=; no amino-acid change (isoleucine 125 retained).
Molecular consequence: synonymous variant.
Genome position (GRCh38, 1-based): chr11:64,809,735, T>A on the plus strand (A>T on the coding strand, the complement: MEN1 is on the minus strand). VCF-style: chr11-64809735-T-A. GRCh37 (hg19) VCF-style: chr11-64577207-T-A.
Other names: c.375A>T, p.Ile125= (NM_000244.4, NM_001370251.2, NM_001370260.2 and 9 more transcripts).
Identifiers: ClinVar variation 412555 (VCV000412555.20), dbSNP rs184896922, ClinGen allele CA061103.